The following is an entry in ClinVar:

ClinVar aggregate classification (germline): Conflicting classifications of pathogenicity. Review status: criteria provided, conflicting classifications (1 of 4 stars). 3 submissions from 3 submitters: Uncertain significance (2); Likely benign (1). Last evaluated 2026-04-14.

Conditions:
C1QTNF5-related disorder. Also called: C1QTNF5-related condition.

Submissions (3):

PreventionGenetics, part of Exact Sciences
Classification: Uncertain significance for C1QTNF5-related condition. Last evaluated: 2026-04-14. Review status: criteria provided, single submitter. Criteria: ACMG Guidelines, 2015. Collection method: clinical testing. Allele origin: germline.
Comment: The C1QTNF5 c.671_674delACAG variant is predicted to result in a frameshift and premature protein termination (p.Asp224Alafs*32). To our knowledge, this variant has not been reported in the literature. This variant is reported in 0.024% of alleles in individuals of African descent in gnomAD. Loss of function is not an established mechanism of C1QTNF5-related disease. At this time, the clinical significance of this variant is uncertain due to the absence of conclusive functional and genetic evidence.

Labcorp Genetics (formerly Invitae), Labcorp
Classification: Uncertain significance. Last evaluated: 2026-01-05. Review status: criteria provided, single submitter. Criteria: Invitae Variant Classification Sherloc (09022015). Collection method: clinical testing. Allele origin: germline.
Comment: This sequence change is expected to alter the c-terminus of the C1QTNF5 protein (p.Asp224Alafs*32). While this is not anticipated to result in nonsense mediated decay, it is expected to disrupt the last 20 amino acid(s) of the C1QTNF5 protein and extend the protein by 11 additional amino acid residues. This variant is present in population databases (rs749758726, gnomAD 0.02%). This variant has not been reported in the literature in individuals affected with C1QTNF5-related conditions. Experimental studies and prediction algorithms are not available or were not evaluated, and the functional significance of this variant is currently unknown. In summary, the available evidence is currently insufficient to determine the role of this variant in disease. Therefore, it has been classified as a Variant of Uncertain Significance.

Blueprint Genetics
Classification: Likely benign. Last evaluated: 2024-03-19. Review status: criteria provided, single submitter. Criteria: ACMG Guidelines, 2015. Collection method: clinical testing. Allele origin: germline.

NM_001278431.2(C1QTNF5):c.671_674del (p.Asp224fs)

Genes: C1QTNF5 (C1q and TNF related 5; minus strand), MFRP (membrane frizzled-related protein; minus strand). Cytogenetic location: 11q23.3.
Variant type: Microsatellite.
Coding change: c.671_674del on transcript NM_001278431.2 (MANE Select); coding-DNA positions 671 to 674, 4 bases deleted (ACAG; older notation c.671_674delACAG).
Protein change: p.Asp224fs; shifts the reading frame from aspartic acid 224.
Molecular consequence: frameshift variant. On other transcripts: 3 prime UTR variant (1).
Genome position (GRCh38, 1-based): chr11:119,339,389-119,339,392, CTGT deleted on the plus strand (ACAG on the coding strand, the reverse complement: C1QTNF5 is on the minus strand); deleting any 4 consecutive bases within chr11:119,339,389-119,339,398 gives the same sequence; the c. name uses the placement nearest the transcript's 3' end. VCF-style (leftmost placement, unchanged base first): chr11-119339388-GCTGT-G. GRCh37 (hg19) VCF-style: chr11-119210098-GCTGT-G.
Other names: c.671_674del, p.Asp224fs (NM_015645.5); c.*1563ACAG[1] (NM_031433.4); c.671_674delACAG (NM_001278431.1); short protein forms D224fs.
Identifiers: ClinVar variation 1060262 (VCV001060262.9), dbSNP rs749758726, ClinGen allele CA6319901.
Genomic context (GRCh38, chr11:119,339,388, plus strand): 5'-GCACTAAGCAAAGACTGGGGAGCTGTGCCAGTCGGAGTACACCAGAAATCCGGAGAAGGT[GCTGT>G]CTGTCTTGATGCTGGCATAGATGCCAATGTAGTCACCCACACCCACCTGCACCCACACTT-3'